The following is an entry in ClinVar:

ClinVar aggregate classification (germline): Uncertain significance (1 of 4 stars; one submission).

Conditions:
Shukla-Vernon syndrome. Identifiers: MedGen C5193146, MONDO:0026727, OMIM 301029.

Submission:

Juno Genomics, Hangzhou Juno Genomics, Inc
Classification: Uncertain significance for Shukla-Vernon syndrome. Review status: criteria provided, single submitter. Criteria: ACMG Guidelines, 2015. Collection method: clinical testing. Allele origin: germline.
Comment: Absent from controls (or at extremely low frequency if recessive) in Genome Aggregation Database.;Protein length changes due to in-frame deletions/insertions in a non-repeat region or stop-loss variants.

NM_001379451.1(BCORL1):c.3071_3076del (p.Asp1024_Val1025del)

Gene: BCORL1 (BCL6 corepressor like 1; plus strand). Cytogenetic location: Xq26.1.
Variant type: Deletion.
Coding change: c.3071_3076del on transcript NM_001379451.1 (MANE Select); coding-DNA positions 3071 to 3076, 6 bases deleted (ACGTGG; older notation c.3071_3076delACGTGG).
Protein change: p.Asp1024_Val1025del.
Molecular consequence: inframe deletion.
Genome position (GRCh38, 1-based): chrX:130,015,843-130,015,848, ACGTGG deleted; deleting any 6 consecutive bases within chrX:130,015,840-130,015,848 gives the same sequence; the c. name uses the placement nearest the transcript's 3' end. VCF-style (leftmost placement, unchanged base first): chrX-130015839-TTGGACG-T. GRCh37 (hg19) VCF-style: chrX-129149815-TTGGACG-T.
Other names: c.3071_3076del, p.Asp1024_Val1025del (NM_001184772.3, NM_001379450.1, NM_001441326.1 and 7 more transcripts).
Identifiers: ClinVar variation 5018923 (VCV005018923.2).